The following is an entry in ClinVar:

NM_182914.3(SYNE2):c.15412A>G (p.Thr5138Ala)

Gene: SYNE2 (spectrin repeat containing nuclear envelope protein 2; plus strand). Cytogenetic location: 14q23.2.
Variant type: single nucleotide variant.
Coding change: c.15412A>G on transcript NM_182914.3 (MANE Select); coding-DNA position 15412, A replaced by G.
Protein change: p.Thr5138Ala; replaces threonine 5138 with alanine.
Molecular consequence: missense variant.
Genome position (GRCh38, 1-based): chr14:64,143,877, A>G. VCF-style: chr14-64143877-A-G. GRCh37 (hg19) VCF-style: chr14-64610595-A-G.
Other names: c.15412A>G, p.Thr5138Ala (NM_015180.6); short protein forms T5138A.
Identifiers: ClinVar variation 2787331 (VCV002787331.4), dbSNP rs2549394847, ClinGen allele CA389943872.
Genomic context (GRCh38, chr14:64,143,877, plus strand): 5'-GTTAACCAGTCATTACTTCAGCTAAGCACCTGTGATGTAGAAAGCAAGCGCTATGAAAGA[A>G]CGGAGTTTGCAGAGCACCTGGGGGAGATGAACCGCCAGTGGCACCGTGTACATGGAATGC-3'
Protein context (NP_878918.2, residues 5128-5148): CDVESKRYER[Thr5138Ala]EFAEHLGEMN

ClinVar aggregate classification (germline): Uncertain significance. Review status: criteria provided, multiple submitters, no conflicts (2 of 4 stars). 2 submissions from 2 submitters: Uncertain significance (2). Last evaluated 2023-10-09.

Conditions:
Emery-Dreifuss muscular dystrophy 5, autosomal dominant (EDMD5). Also called: EMERY-DREIFUSS MUSCULAR DYSTROPHY 5. Identifiers: Orphanet 261, MedGen C2751805, MONDO:0013072, OMIM 612999.

Submissions (2):

Labcorp Genetics (formerly Invitae), Labcorp
Classification: Uncertain significance for Emery-Dreifuss muscular dystrophy 5, autosomal dominant. Last evaluated: 2023-10-09. Review status: criteria provided, single submitter. Criteria: Invitae Variant Classification Sherloc (09022015). Collection method: clinical testing. Allele origin: germline.
Comment: This sequence change replaces threonine, which is neutral and polar, with alanine, which is neutral and non-polar, at codon 5138 of the SYNE2 protein (p.Thr5138Ala). This variant is not present in population databases (gnomAD no frequency). This variant has not been reported in the literature in individuals affected with SYNE2-related conditions. An algorithm developed to predict the effect of missense changes on protein structure and function (PolyPhen-2) suggests that this variant is likely to be disruptive. In summary, the available evidence is currently insufficient to determine the role of this variant in disease. Therefore, it has been classified as a Variant of Uncertain Significance.

Breakthrough Genomics
Classification: Uncertain significance. Review status: criteria provided, single submitter. Criteria: ACMG Guidelines, 2015. Collection method: not provided. Allele origin: germline. Inheritance: Autosomal dominant inheritance. Affected: yes.